The following is an entry in ClinVar:

NM_022787.4(NMNAT1):c.393_394del (p.Glu131fs)

Gene: NMNAT1 (nicotinamide nucleotide adenylyltransferase 1; plus strand). Cytogenetic location: 1p36.22.
Variant type: Deletion.
Coding change: c.393_394del on transcript NM_022787.4 (MANE Select); coding-DNA positions 393 to 394, 2 bases deleted (AA; older notation c.393_394delAA).
Protein change: p.Glu131fs; shifts the reading frame from glutamic acid 131.
Molecular consequence: frameshift variant.
Genome position (GRCh38, 1-based): chr1:9,981,124-9,981,125, AA deleted; deleting any 2 consecutive bases within chr1:9,981,123-9,981,125 gives the same sequence; the c. name uses the placement nearest the transcript's 3' end. VCF-style (leftmost placement, unchanged base first): chr1-9981122-GAA-G. GRCh37 (hg19) VCF-style: chr1-10041180-GAA-G.
Other names: c.393_394del, p.Glu131fs (NM_001297778.1, NM_001297779.2); short protein forms E131fs.
Identifiers: ClinVar variation 1412405 (VCV001412405.8), dbSNP rs2101713372, ClinGen allele CA2573132196.

ClinVar aggregate classification (germline): Pathogenic (1 of 4 stars; one submission).

Conditions:
Leber congenital amaurosis 9 (LCA9). Also called: LCA9 Leber Congenital Amaurosis; LCA 9; Amaurosis congenita of Leber, type 9. Identifiers: Orphanet 65, MedGen C1837873, MONDO:0012056, OMIM 608553.

Submission:

Labcorp Genetics (formerly Invitae), Labcorp
Classification: Pathogenic for Leber congenital amaurosis 9. Last evaluated: 2021-06-08. Review status: criteria provided, single submitter. Criteria: Invitae Variant Classification Sherloc (09022015). Collection method: clinical testing. Allele origin: germline.
Comment: This sequence change creates a premature translational stop signal (p.Glu131Aspfs*5) in the NMNAT1 gene. While this is not anticipated to result in nonsense mediated decay, it is expected to disrupt the last 149 amino acid(s) of the NMNAT1 protein. This variant is not present in population databases (ExAC no frequency). This variant has not been reported in the literature in individuals with NMNAT1-related conditions. This variant disrupts the C-terminus of the NMNAT1 protein. Other variant(s) that disrupt this region (p.Trp169* ) have been determined to be pathogenic (PMID:22842231, 29178642, 22842229, 22842230). This suggests that variants that disrupt this region of the protein are likely to be causative of disease. For these reasons, this variant has been classified as Pathogenic.

Literature cited by the submitters: PubMed 22842231; PubMed 29178642; PubMed 22842229; PubMed 22842230.